The following is an entry in ClinVar:

NM_024675.4(PALB2):c.1685-2A>G

Gene: PALB2 (partner and localizer of BRCA2; minus strand). Cytogenetic location: 16p12.2.
Variant type: single nucleotide variant.
Coding change: c.1685-2A>G on transcript NM_024675.4 (MANE Select); the canonical splice acceptor site of the intron before coding-DNA position 1685, A replaced by G.
Molecular consequence: splice acceptor variant. On other transcripts: intron variant (1).
Genome position (GRCh38, 1-based): chr16:23,630,471, T>C on the plus strand (A>G on the coding strand, the complement: PALB2 is on the minus strand). VCF-style: chr16-23630471-T-C. GRCh37 (hg19) VCF-style: chr16-23641792-T-C.
Other names: c.800-2A>G (NM_001407310.1, NM_001407304.1, NM_001407308.1 and 5 more transcripts); c.49-1196A>G (NM_001407314.1); c.-104-2A>G (NM_001407313.1, NM_001407312.1); c.1625-2A>G (NM_001407296.1); c.1685-2A>G (NM_001407297.1, NM_001407302.1, NM_001407298.1 and 3 more transcripts).
Identifiers: ClinVar variation 449968 (VCV000449968.22), dbSNP rs754660432, ClinGen allele CA7963669.

ClinVar aggregate classification (germline): Conflicting classifications of pathogenicity. Review status: criteria provided, conflicting classifications (1 of 4 stars). 7 submissions from 7 submitters: Likely pathogenic (6); Uncertain significance (1). Last evaluated 2026-05-30.

Conditions:
Familial cancer of breast. Also called: BREAST CANCER, FAMILIAL; hereditary breast carcinoma; Hereditary breast cancer. Identifiers: Orphanet 227535, MedGen C0346153, MONDO:0016419, OMIM 114480. Disease mechanism: loss of function.
Hereditary cancer-predisposing syndrome. Also called: Neoplastic Syndromes, Hereditary; Tumor predisposition; Hereditary Cancer Syndrome; Hereditary neoplastic syndrome. Identifiers: Orphanet 140162, MedGen C0027672, MeSH D009386, MONDO:0015356.
Inherited breast cancer and ovarian cancer.
PALB2-related disorder. Also called: PALB2-related disorders; PALB2-related condition.
Breast-ovarian cancer, familial, susceptibility to, 5 (BROVCA5). Identifiers: MedGen C5830615, MONDO:0957530, OMIM 620442.

Allele frequency attached by ClinVar (database versions not stated): ExAC 0.00001; gnomAD exomes below 0.00001.
gnomAD v4.1: 6 of 1,602,684 alleles (0.00037%); highest among the groups gnomAD compares: Non-Finnish European, 0.00051%; no homozygotes.

Submissions (7):

NHS Central & South Genomic Laboratory Hub
Classification: Uncertain significance for Inherited breast cancer and ovarian cancer. Last evaluated: 2026-05-30. Review status: criteria provided, single submitter. Criteria: ACMG Guidelines, 2015. Collection method: clinical testing. Allele origin: germline. Affected: yes.

Ambry Genetics
Classification: Likely pathogenic for Hereditary cancer-predisposing syndrome. Last evaluated: 2025-07-29. Review status: criteria provided, single submitter. Criteria: Ambry Variant Classification Scheme 2023. Collection method: clinical testing. Allele origin: germline.
Comment: The c.1685-2A>G intronic variant results from an A to G substitution two nucleotides upstream from coding exon 5 in the PALB2 gene. This alteration has been identified in multiple individuals diagnosed with breast cancer (Li J et al. J Med Genet, 2016 Jan;53:34-42; Yang XR et al. Breast Cancer Res Treat, 2017 Oct;165:687-697). This nucleotide position is highly conserved in available vertebrate species. In silico splice site analysis predicts that this alteration will weaken the native splice acceptor site. RNA studies have demonstrated that this alteration results in abnormal splicing in the set of samples tested (Valenzuela-Palomo A et al. J Pathol, 2022 03;256:321-334, Ambry internal data). Of note, this alteration is also designated as c.1691-2A>G in the published literature. Alterations that disrupt the canonical splice site are expected to cause aberrant splicing, resulting in an abnormal protein or a transcript that is subject to nonsense-mediated mRNA decay. As such, this alteration is classified as likely pathogenic.

Labcorp Genetics (formerly Invitae), Labcorp
Classification: Likely pathogenic for Familial cancer of breast. Last evaluated: 2025-07-02. Review status: criteria provided, single submitter. Criteria: Invitae Variant Classification Sherloc (09022015). Collection method: clinical testing. Allele origin: germline.
Comment: This sequence change affects an acceptor splice site in intron 4 of the PALB2 gene. RNA analysis indicates that disruption of this splice site induces altered splicing and may result in an absent or altered protein product. This variant is present in population databases (rs754660432, gnomAD 0.001%). Disruption of this splice site has been observed in individual(s) with personal or family history of breast and/or ovarian cancer (PMID: 26534844, 28664506). This variant is also known as c.1691-2A>G. ClinVar contains an entry for this variant (Variation ID: 449968). Studies have shown that disruption of this splice site alters mRNA splicing and is expected to lead to the loss of protein expression (PMID: 34846068; internal data). In summary, the currently available evidence indicates that the variant is pathogenic, but additional data are needed to prove that conclusively. Therefore, this variant has been classified as Likely Pathogenic.

Clinical Genetics Laboratory, Skane University Hospital Lund
Classification: Likely pathogenic for Breast-ovarian cancer, familial, susceptibility to, 5. Last evaluated: 2025-05-16. Review status: criteria provided, single submitter. Criteria: ACMG Guidelines, 2015. Collection method: clinical testing. Allele origin: germline. Affected: yes.
Comment: ACMG criteria used: PVS1, PS4_Moderate

Myriad Genetics, Inc.
Classification: Likely pathogenic for Familial cancer of breast. Last evaluated: 2023-09-11. Review status: criteria provided, single submitter. Criteria: Myriad Autosomal Dominant, Autosomal Recessive and X-Linked Classification Criteria (2023). Collection method: clinical testing. Allele origin: unknown.
Comment: This variant is considered likely pathogenic. This variant occurs within a consensus splice junction and is predicted to result in abnormal mRNA splicing of either an out-of-frame exon or an in-frame exon necessary for protein stability and/or normal function.

PreventionGenetics, part of Exact Sciences
Classification: Likely pathogenic for PALB2-related condition. Last evaluated: 2023-01-24. Review status: criteria provided, single submitter. Criteria: ACMG Guidelines, 2015. Collection method: clinical testing. Allele origin: germline.
Comment: The PALB2 c.1685-2A>G variant is predicted to disrupt the AG splice acceptor site and interfere with normal splicing. This variant (also reported as c.1691-2A>G) was reported in individuals with a history of breast and/or ovarian cancer (Family 50, Table 1, Li et al. 2016. PubMed ID: 26534844; Table 1, Yang et al. 2017. PubMed ID: 28664506). Functional studies have also confirmed this variant impacts splicing (Table 1, Valenzuela-Palomo et al. 2021. PubMed ID: 34846068) This variant is reported in 0.00095% of alleles in individuals of European (Non-Finnish) descent in gnomAD. In ClinVar, this variant is interpreted as likely pathogenic by multiple laboratories. Variants that disrupt the consensus splice acceptor site in PALB2 are expected to be pathogenic. This variant is interpreted as likely pathogenic.

GeneDx
Classification: Likely pathogenic. Last evaluated: 2018-05-16. Review status: criteria provided, single submitter. Criteria: GeneDx Variant Classification (06012015). Collection method: clinical testing. Allele origin: germline. Affected: yes.
Comment: This variant is denoted PALB2 c.1685-2A>G or IVS4-2A>G and consists of an A>G nucleotidesubstitution at the -2 position of intron 4 of the PALB2 gene. This variant destroys a canonical splice acceptor site andis predicted to cause abnormal gene splicing, leading to either an abnormal message that is subject to nonsense-mediated mRNA decay or to an abnormal protein product. This variant has been reported in at least one individual witha personal and family history of breast and/or ovarian cancer (Li 2016). Based on the currently available information,we consider PALB2 c.1685-2A>G to be a likely pathogenic variant

Literature cited by the submitters: PubMed 26534844 (cited by Ambry Genetics and Labcorp Genetics (formerly Invitae), Labcorp); PubMed 28664506 (cited by Ambry Genetics and Labcorp Genetics (formerly Invitae), Labcorp); PubMed 34846068 (cited by Ambry Genetics and Labcorp Genetics (formerly Invitae), Labcorp).